The following is an entry in ClinVar:

ClinVar aggregate classification (germline): Pathogenic/Likely pathogenic. Review status: criteria provided, multiple submitters, no conflicts (2 of 4 stars). 12 submissions from 12 submitters: Pathogenic (4); Likely pathogenic (7). 1 of the submissions does not count toward it. Last evaluated 2026-01-13.

Conditions:
Autosomal recessive multiple pterygium syndrome. Also called: MULTIPLE PTERYGIUM SYNDROME, ESCOBAR VARIANT; PTERYGIUM COLLI SYNDROME; PTERYGIUM SYNDROME; PTERYGIUM UNIVERSALE. Identifiers: Orphanet 2990, MedGen C0265261, MONDO:0009926, OMIM 265000.
Lethal multiple pterygium syndrome (LMPS). Identifiers: Orphanet 33108, MedGen C1854678, MONDO:0009668, OMIM 253290.
CHRNG-associated disorder.
Peripheral neuropathy. Also called: Neuropathy. Identifiers: MedGen C0031117, MONDO:0005244, HP:0009830.

Allele frequency attached by ClinVar (database versions not stated): gnomAD 0.00001; gnomAD exomes 0.00002 and 0.00004; ExAC 0.00003; TOPMed 0.00004.

Submissions (12):

Labcorp Genetics (formerly Invitae), Labcorp
Classification: Likely pathogenic. Last evaluated: 2026-01-13. Review status: criteria provided, single submitter. Criteria: Invitae Variant Classification Sherloc (09022015). Collection method: clinical testing. Allele origin: germline.
Comment: This sequence change replaces arginine, which is basic and polar, with cysteine, which is neutral and slightly polar, at codon 86 of the CHRNG protein (p.Arg86Cys). This variant is present in population databases (rs777219451, gnomAD 0.005%). This missense change has been observed in individuals with Escobar syndrome and/or clinical features of CHRNG-related conditions (PMID: 16826520, 26752647, 31230720, 37853563). This variant is also known as p.R64C . ClinVar contains an entry for this variant (Variation ID: 397615). Invitae Evidence Modeling of protein sequence and biophysical properties (such as structural, functional, and spatial information, amino acid conservation, physicochemical variation, residue mobility, and thermodynamic stability) indicates that this missense variant is expected to disrupt CHRNG protein function with a positive predictive value of 80%. In summary, the currently available evidence indicates that the variant is pathogenic, but additional data are needed to prove that conclusively. Therefore, this variant has been classified as Likely Pathogenic.

Genomic Medicine Center of Excellence, King Faisal Specialist Hospital and Research Centre
Classification: Pathogenic for Autosomal recessive multiple pterygium syndrome. Last evaluated: 2024-03-29. Review status: criteria provided, single submitter. Criteria: ACMG Guidelines, 2015. Collection method: clinical testing. Allele origin: germline.

Fulgent Genetics
Classification: Likely pathogenic for Lethal multiple pterygium syndrome; Autosomal recessive multiple pterygium syndrome. Last evaluated: 2024-03-21. Review status: criteria provided, single submitter. Criteria: ACMG Guidelines, 2015. Collection method: clinical testing. Allele origin: germline.

Women's Health and Genetics/Laboratory Corporation of America, LabCorp
Classification: Pathogenic for Lethal multiple pterygium syndrome. Last evaluated: 2023-11-14. Review status: criteria provided, single submitter. Criteria: LabCorp Variant Classification Summary - May 2015. Collection method: clinical testing. Allele origin: germline.
Comment: Variant summary: CHRNG c.256C>T (p.Arg86Cys) results in a non-conservative amino acid change located in the neurotransmitter-gated ion-channel transmembrane domain (IPR006029) of the encoded protein sequence. Five of five in-silico tools predict a damaging effect of the variant on protein function. The variant allele was found at a frequency of 1.6e-05 in 248786 control chromosomes (gnomAD). c.256C>T has been reported in the literature as a biallelic genotype in multiple individuals affected with Escobar Syndrome/Lethal Multiple Pterygium Syndrome - CHRNG Related (e.g. Hoffmann_2006, Bayram_2016, Pehlivan_2019). These data indicate that the variant is very likely to be associated with disease. The following publications have been ascertained in the context of this evaluation (PMID: 16826520, 26752647, 31230720). Six submitters have cited clinical-significance assessments for this variant to ClinVar after 2014. All submitters classified the variant as pathogenic/likely pathogenic. Based on the evidence outlined above, the variant was classified as pathogenic.

Duke University Health System Sequencing Clinic, Duke University Health System
Classification: Likely pathogenic for Autosomal recessive multiple pterygium syndrome. Last evaluated: 2023-04-20. Review status: criteria provided, single submitter. Criteria: ACMG Guidelines, 2015. Collection method: research. Allele origin: maternal. Affected: yes.

GeneDx
Classification: Pathogenic. Last evaluated: 2023-02-08. Review status: criteria provided, single submitter. Criteria: GeneDx Variant Classification Process June 2021. Collection method: clinical testing. Allele origin: germline. Affected: yes.
Comment: Not observed at significant frequency in large population cohorts (gnomAD); In silico analysis supports that this missense variant has a deleterious effect on protein structure/function; This variant is associated with the following publications: (PMID: 16826520, 31230720, 30868735, 34426522, 26752647)

Center of Genomic medicine, Geneva, University Hospital of Geneva
Classification: Likely pathogenic for Autosomal recessive multiple pterygium syndrome. Last evaluated: 2023-01-17. Review status: criteria provided, single submitter. Criteria: ACMG Guidelines, 2015. Collection method: clinical testing. Allele origin: inherited. Affected: yes. Observed: 3 variant alleles.

Institute of Human Genetics Munich, TUM University Hospital
Classification: Likely pathogenic for CHRNG-associated disorder. Last evaluated: 2022-04-11. Review status: criteria provided, single submitter. Criteria: Classification criteria August 2017. Collection method: clinical testing. Allele origin: germline. Inheritance: Autosomal recessive inheritance. Affected: yes. Observed: 1 variant allele.

Clinical Genetics and Genomics, Karolinska University Hospital
Classification: Likely pathogenic. Last evaluated: 2019-12-19. Review status: criteria provided, single submitter. Criteria: ACMG Guidelines, 2015. Collection method: clinical testing. Allele origin: germline. Affected: yes. Observed: 3 variant alleles.

CeGaT Center for Human Genetics Tuebingen
Classification: Pathogenic. Last evaluated: 2018-08-01. Review status: criteria provided, single submitter. Criteria: CeGaT Center For Human Genetics Tuebingen Variant Classification Criteria Version 2. Collection method: clinical testing. Allele origin: germline. Affected: yes. Observed: 1 variant allele.

Claritas Genomics
Classification: Likely pathogenic for Peripheral neuropathy. Last evaluated: 2016-08-22. Review status: criteria provided, single submitter. Criteria: ACMG Guidelines, 2015. Collection method: clinical testing. Allele origin: germline. Affected: yes.

Lupski Lab, Baylor-Hopkins CMG, Baylor College of Medicine
Classification: Likely pathogenic for Autosomal recessive multiple pterygium syndrome. Review status: no assertion criteria provided. Collection method: research. Allele origin: inherited. Inheritance: Autosomal recessive inheritance. Affected: yes. Observed: 11 variant alleles, 7 heterozygotes, 4 homozygotes. Not counted in ClinVar's aggregate classification.

Literature cited by the submitters: PubMed 16826520 (cited by Labcorp Genetics (formerly Invitae), Labcorp and Women's Health and Genetics/Laboratory Corporation of America, LabCorp); PubMed 26752647 (cited by 5 submitters); PubMed 31230720 (cited by Labcorp Genetics (formerly Invitae), Labcorp and Women's Health and Genetics/Laboratory Corporation of America, LabCorp); PubMed 37853563 (cited by Labcorp Genetics (formerly Invitae), Labcorp).

NM_005199.5(CHRNG):c.256C>T (p.Arg86Cys)

Gene: CHRNG (cholinergic receptor nicotinic gamma subunit; plus strand). Cytogenetic location: 2q37.1.
Variant type: single nucleotide variant.
Coding change: c.256C>T on transcript NM_005199.5 (MANE Select); coding-DNA position 256, C replaced by T.
Protein change: p.Arg86Cys; replaces arginine 86 with cysteine.
Molecular consequence: missense variant.
Genome position (GRCh38, 1-based): chr2:232,540,617, C>T. VCF-style: chr2-232540617-C-T. GRCh37 (hg19) VCF-style: chr2-233405327-C-T.
Other names: p.(Arg86Cys); short protein forms R86C.
Identifiers: ClinVar variation 397615 (VCV000397615.53), dbSNP rs777219451, ClinGen allele CA2168586.
Genomic context (GRCh38, chr2:232,540,617, plus strand): 5'-GTGCAGCAGAGGGCAGAGGCCTAGCAACTGCCCCTCCCCCTGCAGCAGTGGTGCGACTAT[C>T]GCCTGCGCTGGGATCCGCGAGACTACGAAGGCCTGTGGGTGCTGAGGGTGCCGTCCACCA-3'
Protein context (NP_005190.4, residues 76-96): VWIEMQWCDY[Arg86Cys]LRWDPRDYEG